The following is an entry in ClinVar:

NM_005902.4(SMAD3):c.686C>T (p.Pro229Leu)

Gene: SMAD3 (SMAD family member 3; plus strand). Cytogenetic location: 15q22.33.
Variant type: single nucleotide variant.
Coding change: c.686C>T on transcript NM_005902.4 (MANE Select); coding-DNA position 686, C replaced by T.
Protein change: p.Pro229Leu; replaces proline 229 with leucine.
Molecular consequence: missense variant.
Genome position (GRCh38, 1-based): chr15:67,181,268, C>T. VCF-style: chr15-67181268-C-T. GRCh37 (hg19) VCF-style: chr15-67473606-C-T.
Other names: c.371C>T, p.Pro124Leu (NM_001145102.2); c.554C>T, p.Pro185Leu (NM_001145103.2); c.101C>T, p.Pro34Leu (NM_001145104.2); short protein forms P229L, P124L, P34L, P185L.
Identifiers: ClinVar variation 629073 (VCV000629073.12), dbSNP rs1232187684, ClinGen allele CA392955898.

ClinVar aggregate classification (germline): Uncertain significance. Review status: criteria provided, multiple submitters, no conflicts (2 of 4 stars). 3 submissions from 3 submitters: Uncertain significance (3). Last evaluated 2025-02-16.

Conditions:
Familial thoracic aortic aneurysm and aortic dissection (TAAD). Also called: Thoracic aortic aneurysms and dissections. Identifiers: Orphanet 91387, MedGen C4707243, MONDO:0019625.

Allele frequency attached by ClinVar (database versions not stated): gnomAD exomes below 0.00001.
gnomAD v4.1: 2 of 1,613,290 alleles (0.00012%); highest among the groups gnomAD compares: Non-Finnish European, 0.00017%; no homozygotes.

Submissions (3):

Laboratory of Genetics, Children's Clinical University Hospital Latvia
Classification: Uncertain significance. Last evaluated: 2025-02-16. Review status: criteria provided, single submitter. Criteria: ACMG Guidelines, 2015. Collection method: clinical testing. Allele origin: germline. Affected: yes.

Color Diagnostics, LLC DBA Color Health
Classification: Uncertain significance for Familial thoracic aortic aneurysm and aortic dissection. Last evaluated: 2019-08-08. Review status: criteria provided, single submitter. Criteria: ACMG Guidelines, 2015. Collection method: clinical testing. Allele origin: germline.
Comment: Variant of Uncertain Significance due to insufficient evidence: This missense variant is located in the linker region between MH1 DNA binding domain and MH2 protein interaction domain of the SMAD3 protein. Computational prediction tools and conservation analyses suggest that this variant may have deleterious impact on the protein function. Computational splicing tools suggest that this variant may not impact the RNA splicing. To our knowledge, functional assays have not been performed for this variant nor has this variant been reported in individuals affected with cardiovascular disorders in the literature. This variant is rare in the general population and has been identified in 0/277264 chromosomes by the Genome Aggregation Database (gnomAD). Available evidence is insufficient to determine the pathogenicity of this variant conclusively.

Labcorp Genetics (formerly Invitae), Labcorp
Classification: Uncertain significance for Familial thoracic aortic aneurysm and aortic dissection. Last evaluated: 2018-08-13. Review status: criteria provided, single submitter. Criteria: Invitae Variant Classification Sherloc (09022015). Collection method: clinical testing. Allele origin: germline.
Comment: This variant has not been reported in the literature in individuals with SMAD3-related disease. This variant is not present in population databases (ExAC no frequency). This sequence change replaces proline with leucine at codon 229 of the SMAD3 protein (p.Pro229Leu). The proline residue is highly conserved and there is a moderate physicochemical difference between proline and leucine. Algorithms developed to predict the effect of missense changes on protein structure and function are either unavailable or do not agree on the potential impact of this missense change (SIFT: "Deleterious"; PolyPhen-2: "Possibly Damaging"; Align-GVGD: "Class C0"). In summary, the available evidence is currently insufficient to determine the role of this variant in disease. Therefore, it has been classified as a Variant of Uncertain Significance.